The following is an entry in ClinVar:

NM_004859.4(CLTC):c.18A>C (p.Pro6=)

Gene: CLTC (clathrin heavy chain; plus strand). Cytogenetic location: 17q23.1.
Variant type: single nucleotide variant.
Coding change: c.18A>C on transcript NM_004859.4 (MANE Select); coding-DNA position 18, A replaced by C.
Protein change: p.Pro6=; no amino-acid change (proline 6 retained).
Molecular consequence: synonymous variant.
Genome position (GRCh38, 1-based): chr17:59,620,149, A>C. VCF-style: chr17-59620149-A-C. GRCh37 (hg19) VCF-style: chr17-57697510-A-C.
Other names: c.18A>C (NM_001288653.1); c.18A>C, p.Pro6= (NM_001288653.2).
Identifiers: ClinVar variation 1552762 (VCV001552762.39), dbSNP rs76471984, ClinGen allele CA8680956.

ClinVar aggregate classification (germline): Benign/Likely benign. Review status: criteria provided, multiple submitters, no conflicts (2 of 4 stars). 4 submissions from 4 submitters: Benign (1); Likely benign (2). 1 of the submissions does not count toward it. Last evaluated 2026-04-01.

Conditions:
CLTC-related disorder. Also called: CLTC-related condition.

Allele frequency attached by ClinVar (database versions not stated): 1000 Genomes Project 0.00020; TOPMed 0.00028; 1000 Genomes Project 30x 0.00031; gnomAD 0.00032 and 0.00034; gnomAD exomes 0.00036 and 0.00040; ExAC 0.00038; ESP Exome Variant Server 0.00038.
gnomAD v4.1: 611 of 1,611,986 alleles (0.038%); highest among the groups gnomAD compares: Non-Finnish European, 0.045%; no homozygotes.

Submissions (4):

CeGaT Center for Human Genetics Tuebingen
Classification: Likely benign. Last evaluated: 2026-04-01. Review status: criteria provided, single submitter. Criteria: CeGaT Center For Human Genetics Tuebingen Variant Classification Criteria Version 2. Collection method: clinical testing. Allele origin: germline. Affected: yes. Observed: 6 variant alleles.
Comment: CLTC: BP4, BP7

Labcorp Genetics (formerly Invitae), Labcorp
Classification: Benign. Last evaluated: 2026-01-21. Review status: criteria provided, single submitter. Criteria: Invitae Variant Classification Sherloc (09022015). Collection method: clinical testing. Allele origin: germline.

Blueprint Genetics
Classification: Likely benign. Last evaluated: 2024-09-12. Review status: criteria provided, single submitter. Criteria: ACMG Guidelines, 2015. Collection method: clinical testing. Allele origin: germline.

PreventionGenetics, part of Exact Sciences
Classification: Likely benign for CLTC-related condition. Last evaluated: 2024-09-16. Review status: no assertion criteria provided. Collection method: clinical testing. Allele origin: germline. Not counted in ClinVar's aggregate classification.
Comment: This variant is classified as likely benign based on ACMG/AMP sequence variant interpretation guidelines (Richards et al. 2015 PMID: 25741868, with internal and published modifications).